The following is an entry in ClinVar:

ClinVar aggregate classification (germline): Pathogenic (1 of 4 stars; one submission).

Submission:

Labcorp Genetics (formerly Invitae), Labcorp
Classification: Pathogenic. Last evaluated: 2017-07-21. Review status: criteria provided, single submitter. Criteria: Invitae Variant Classification Sherloc (09022015). Collection method: clinical testing. Allele origin: germline.
Comment: For these reasons, this variant has been classified as Pathogenic. Loss-of-function variants in TRIP12 are known to be pathogenic (PMID: 27848077, 28251352). This variant has not been reported in the literature in individuals with TRIP12-related disease. This variant is not present in population databases (ExAC no frequency). This sequence change creates a premature translational stop signal (p.Glu571Aspfs*5) in the TRIP12 gene. It is expected to result in an absent or disrupted protein product.

Literature cited by the submitters: PubMed 27848077; PubMed 28251352.

NM_001348323.3(TRIP12):c.1857del (p.Glu619fs)

Gene: TRIP12 (thyroid hormone receptor interactor 12; minus strand). Cytogenetic location: 2q36.3.
Variant type: Deletion.
Coding change: c.1857del on transcript NM_001348323.3 (MANE Select); coding-DNA position 1857, one base deleted (A; older notation c.1857delA).
Protein change: p.Glu619fs; shifts the reading frame from glutamic acid 619.
Molecular consequence: frameshift variant.
Genome position (GRCh38, 1-based): chr2:229,813,999, T deleted on the plus strand (A on the coding strand, the reverse complement: TRIP12 is on the minus strand); the first of 2 consecutive T bases (chr2:229,813,999-229,814,000); deleting either gives the same sequence. VCF-style (leftmost placement, unchanged base first): chr2-229813998-AT-A. GRCh37 (hg19) VCF-style: chr2-230678714-AT-A.
Other names: c.1857del, p.Glu619fs (NM_001284214.2, NM_001348315.2, NM_001348319.1 and 11 more transcripts); c.1731del, p.Glu577fs (NM_001284215.2, NM_001348316.2, NM_001348317.1 and 2 more transcripts); c.822del, p.Glu274fs (NM_001284216.2); c.1770del, p.Glu590fs (NM_001348332.1); c.1713del, p.Glu571fs (NM_004238.3); short protein forms E274fs, E571fs, E577fs, E590fs, E619fs.
Identifiers: ClinVar variation 1069025 (VCV001069025.7), dbSNP rs2154281369, ClinGen allele CA2499215761.